The following is an entry in ClinVar:

ClinVar aggregate classification (germline): Uncertain significance (0 of 4 stars; one submission).

Conditions:
Prostate cancer. Also called: Malignant tumor of prostate. Identifiers: Orphanet 1331, MedGen C0376358, MONDO:0008315, HP:0012125.

Submission:

Science for Life laboratory,  Karolinska Institutet
Classification: Uncertain significance for Malignant tumor of prostate. Review status: no assertion criteria provided. Collection method: not provided. Allele origin: somatic.
Comment: TumorID:SWE-92B
ClinVar note: Converted during submission from Unknown to Uncertain significance.

NM_018090.5(NECAP2):c.462G>T (p.Glu154Asp)

Gene: NECAP2 (NECAP endocytosis associated 2; plus strand). Cytogenetic location: 1p36.13.
Variant type: single nucleotide variant.
Coding change: c.462G>T on transcript NM_018090.5 (MANE Select); coding-DNA position 462, G replaced by T.
Protein change: p.Glu154Asp; replaces glutamic acid 154 with aspartic acid.
Molecular consequence: missense variant.
Genome position (GRCh38, 1-based): chr1:16,449,174, G>T. VCF-style: chr1-16449174-G-T. GRCh37 (hg19) VCF-style: chr1-16775669-G-T.
Other names: c.462G>T, p.Glu154Asp (NM_001145277.2); c.384G>T, p.Glu128Asp (NM_001145278.2); short protein forms E154D, E128D.
Identifiers: ClinVar variation 161534 (VCV000161534.2), dbSNP rs193921123, ClinGen allele CA174285.
Genomic context (GRCh38, chr1:16,449,174, plus strand): 5'-ATTTGCAAAACAAGCCCAGAACCCAGACCAAGGCCCTAAACTGGACCTGGGCTTCAAGGA[G>T]GGCCAGACCATCAAGCTCAACATCGCAGTGAGTTCTACCCTTGCTTGGCTGTGGTGACGT-3'
Protein context (NP_060560.1, residues 144-164): QGPKLDLGFK[Glu154Asp]GQTIKLNIAN